The following is an entry in ClinVar:

ClinVar aggregate classification (germline): Likely benign (1 of 4 stars; one submission).

Allele frequency attached by ClinVar (database versions not stated): TOPMed 0.00001; ExAC 0.00003.
gnomAD v4.1: 17 of 1,611,904 alleles (0.0011%); highest among the groups gnomAD compares: Admixed American, 0.0017%; 1 homozygote.

Submission:

CeGaT Center for Human Genetics Tuebingen
Classification: Likely benign. Last evaluated: 2023-08-01. Review status: criteria provided, single submitter. Criteria: CeGaT Center For Human Genetics Tuebingen Variant Classification Criteria Version 2. Collection method: clinical testing. Allele origin: germline. Affected: yes. Observed: 1 variant allele.
Comment: ANK1: BP4, BS2

NM_000037.4(ANK1):c.3858+6A>C

Gene: ANK1 (ankyrin 1; minus strand). Cytogenetic location: 8p11.21.
Variant type: single nucleotide variant.
Coding change: c.3858+6A>C on transcript NM_000037.4 (MANE Select); 6 bases into the intron after coding-DNA position 3858, A replaced by C.
Molecular consequence: intron variant.
Genome position (GRCh38, 1-based): chr8:41,692,642, T>G on the plus strand (A>C on the coding strand, the complement: ANK1 is on the minus strand). VCF-style: chr8-41692642-T-G. GRCh37 (hg19) VCF-style: chr8-41550160-T-G.
Other names: c.3981+6A>C (NM_001142446.2); c.3858+6A>C (NM_020477.3, NM_020475.3, NM_020476.3).
Identifiers: ClinVar variation 2658571 (VCV002658571.24), dbSNP rs761663144, ClinGen allele CA4727771.